The following is an entry in ClinVar:

ClinVar aggregate classification (germline): Uncertain significance (1 of 4 stars; one submission).

Conditions:
Gorlin syndrome. Also called: Basal cell nevus syndrome; Nevoid Basal Cell Carcinoma Syndrome. Identifiers: Orphanet 377, MedGen C0004779, MONDO:0007187.

Allele frequency attached by ClinVar (database versions not stated): gnomAD exomes below 0.00001.
gnomAD v4.1: 2 of 1,613,860 alleles (0.00012%); highest among the groups gnomAD compares: Non-Finnish European, 0.00017%; no homozygotes.

Submission:

Labcorp Genetics (formerly Invitae), Labcorp
Classification: Uncertain significance for Gorlin syndrome. Last evaluated: 2021-05-18. Review status: criteria provided, single submitter. Criteria: Invitae Variant Classification Sherloc (09022015). Collection method: clinical testing. Allele origin: germline.
Comment: In summary, the available evidence is currently insufficient to determine the role of this variant in disease. Therefore, it has been classified as a Variant of Uncertain Significance. Algorithms developed to predict the effect of sequence changes on RNA splicing suggest that this variant may create or strengthen a splice site, but this prediction has not been confirmed by published transcriptional studies. Advanced modeling of protein sequence and biophysical properties (such as structural, functional, and spatial information, amino acid conservation, physicochemical variation, residue mobility, and thermodynamic stability) performed at Invitae indicates that this missense variant is not expected to disrupt PTCH1 protein function. This variant has not been reported in the literature in individuals with PTCH1-related conditions. This variant is not present in population databases (ExAC no frequency). This sequence change replaces histidine with tyrosine at codon 1240 of the PTCH1 protein (p.His1240Tyr). The histidine residue is weakly conserved and there is a moderate physicochemical difference between histidine and tyrosine.

NM_000264.5(PTCH1):c.3718C>T (p.His1240Tyr)

Gene: PTCH1 (patched 1; minus strand). Cytogenetic location: 9q22.32.
Variant type: single nucleotide variant.
Coding change: c.3718C>T on transcript NM_000264.5 (MANE Select); coding-DNA position 3718, C replaced by T.
Protein change: p.His1240Tyr; replaces histidine 1240 with tyrosine.
Molecular consequence: missense variant. On other transcripts: non-coding transcript variant (1).
Genome position (GRCh38, 1-based): chr9:95,449,155, G>A on the plus strand (C>T on the coding strand, the complement: PTCH1 is on the minus strand). VCF-style: chr9-95449155-G-A. GRCh37 (hg19) VCF-style: chr9-98211437-G-A.
Other names: c.3520C>T, p.His1174Tyr (NM_001083602.3); c.3715C>T, p.His1239Tyr (NM_001083603.3); c.3265C>T, p.His1089Tyr (NM_001083604.3, NM_001083605.3, NM_001083606.3 and 1 more transcripts); c.3562C>T, p.His1188Tyr (NM_001354918.2); short protein forms H1089Y, H1174Y, H1240Y, H1188Y, H1239Y.
Identifiers: ClinVar variation 1436025 (VCV001436025.8), dbSNP rs2136598509, ClinGen allele CA374111078.